The following is an entry in ClinVar:

ClinVar aggregate classification (germline): Uncertain significance. Review status: criteria provided, multiple submitters, no conflicts (2 of 4 stars). 3 submissions from 3 submitters: Uncertain significance (2). 1 of the submissions does not count toward it. Last evaluated 2025-01-15.

Conditions:
PAX4-related disorder. Also called: PAX4-related condition.
Diabetes mellitus, ketosis-prone (KPD). Identifiers: MedGen C3837958, MONDO:0100180, OMIM 612227.
Maturity-onset diabetes of the young type 9 (MODY9). Identifiers: Orphanet 552, MedGen C2677132, MONDO:0012818, OMIM 612225.
Type 2 diabetes mellitus. Also called: Type II diabetes mellitus. Identifiers: MedGen C0011860, MeSH D003924, MONDO:0005148, OMIM 125853, HP:0005978.

Allele frequency attached by ClinVar (database versions not stated): ExAC 0.00014; ESP Exome Variant Server 0.00015; gnomAD exomes 0.00019 and 0.00062; 1000 Genomes Project 0.00020; TOPMed 0.00021; gnomAD 0.00022; 1000 Genomes Project 30x 0.00031.

Submissions (3):

Labcorp Genetics (formerly Invitae), Labcorp
Classification: Uncertain significance. Last evaluated: 2025-01-15. Review status: criteria provided, single submitter. Criteria: Invitae Variant Classification Sherloc (09022015). Collection method: clinical testing. Allele origin: germline.
Comment: This sequence change replaces arginine, which is basic and polar, with glutamine, which is neutral and polar, at codon 79 of the PAX4 protein (p.Arg79Gln). This variant is present in population databases (rs115923648, gnomAD 0.04%). This variant has not been reported in the literature in individuals affected with PAX4-related conditions. ClinVar contains an entry for this variant (Variation ID: 358807). An algorithm developed to predict the effect of missense changes on protein structure and function (PolyPhen-2) suggests that this variant is likely to be disruptive. In summary, the available evidence is currently insufficient to determine the role of this variant in disease. Therefore, it has been classified as a Variant of Uncertain Significance.

Fulgent Genetics
Classification: Uncertain significance for Type 2 diabetes mellitus; Maturity-onset diabetes of the young type 9; Diabetes mellitus, ketosis-prone. Last evaluated: 2022-03-23. Review status: criteria provided, single submitter. Criteria: ACMG Guidelines, 2015. Collection method: clinical testing. Allele origin: unknown.

PreventionGenetics, part of Exact Sciences
Classification: Uncertain significance for PAX4-related condition. Last evaluated: 2024-08-01. Review status: no assertion criteria provided. Collection method: clinical testing. Allele origin: germline. Not counted in ClinVar's aggregate classification.
Comment: The PAX4 c.236G>A variant is predicted to result in the amino acid substitution p.Arg79Gln. To our knowledge, this variant has not been reported in the literature. This variant is reported in 0.036% of alleles in individuals of European (Non-Finnish) descent in gnomAD. At this time, the clinical significance of this variant is uncertain due to the absence of conclusive functional and genetic evidence.

NM_001366110.1(PAX4):c.260G>A (p.Arg87Gln)

Gene: PAX4 (paired box 4; minus strand). Cytogenetic location: 7q32.1.
Variant type: single nucleotide variant.
Coding change: c.260G>A on transcript NM_001366110.1 (MANE Select); coding-DNA position 260, G replaced by A.
Protein change: p.Arg87Gln; replaces arginine 87 with glutamine.
Molecular consequence: missense variant.
Genome position (GRCh38, 1-based): chr7:127,614,980, C>T on the plus strand (G>A on the coding strand, the complement: PAX4 is on the minus strand). VCF-style: chr7-127614980-C-T. GRCh37 (hg19) VCF-style: chr7-127255034-C-T.
Other names: c.260G>A, p.Arg87Gln (NM_001366111.1); short protein forms R87Q.
Identifiers: ClinVar variation 358807 (VCV000358807.10), dbSNP rs115923648, ClinGen allele CA4468146.